The following is an entry in ClinVar:

ClinVar aggregate classification (germline): Uncertain significance. Review status: criteria provided, multiple submitters, no conflicts (2 of 4 stars). 3 submissions from 3 submitters: Uncertain significance (3). Last evaluated 2026-01-19.

Conditions:
RASopathy. Also called: rasopathies; Noonan spectrum disorder. Identifiers: Orphanet 536391, MedGen C5555857, MONDO:0021060.
Cardiofaciocutaneous syndrome 4 (CFC4). Also called: MAP2K2-Related Cardiofaciocutaneous Syndrome. Identifiers: Orphanet 1340, MedGen C3809007, MONDO:0014114, OMIM 615280.

Submissions (3):

Labcorp Genetics (formerly Invitae), Labcorp
Classification: Uncertain significance for RASopathy. Last evaluated: 2026-01-19. Review status: criteria provided, single submitter. Criteria: Invitae Variant Classification Sherloc (09022015). Collection method: clinical testing. Allele origin: germline.
Comment: This variant, c.291_293del, results in the deletion of 1 amino acid(s) of the MAP2K2 protein (p.Ile97del), but otherwise preserves the integrity of the reading frame. This variant is not present in population databases (gnomAD no frequency). This variant has not been reported in the literature in individuals affected with MAP2K2-related conditions. Experimental studies and prediction algorithms are not available or were not evaluated, and the functional significance of this variant is currently unknown. In summary, the available evidence is currently insufficient to determine the role of this variant in disease. Therefore, it has been classified as a Variant of Uncertain Significance.

Dasa
Classification: Uncertain significance. Last evaluated: 2024-12-03. Review status: criteria provided, single submitter. Criteria: DASA Assertion Criteria. Collection method: clinical testing. Allele origin: germline.
Comment: NM_030662.4(MAP2K2):c.291_293del (p.Ile97del) is an in-frame deletion predicted to remove isoleucine at protein position 97 without shifting the reading frame. This variant is rare in population databases. The currently available literature and clinical evidence are not sufficient to establish a definitive association between this variant and the reported condition. Therefore, this variant is classified as a variant of uncertain significance.

Laboratorio de Genetica e Diagnostico Molecular, Hospital Israelita Albert Einstein
Classification: Uncertain significance for Cardiofaciocutaneous syndrome 4. Last evaluated: 2021-02-16. Review status: criteria provided, single submitter. Criteria: ACMG Guidelines, 2015. Collection method: clinical testing. Allele origin: germline. Affected: yes.
Comment: ACMG classification criteria: PM2, PM4 moderate

NM_030662.4(MAP2K2):c.288CAT[1] (p.Ile97del)

Gene: MAP2K2 (mitogen-activated protein kinase kinase 2; minus strand). Cytogenetic location: 19p13.3.
Variant type: Microsatellite.
Coding change: c.288CAT[1] on transcript NM_030662.4 (MANE Select); one copy of the 3-base unit CAT starting at c.288; the reference has two copies in a row; one copy, 3 bases deleted; also written c.291_293del.
Protein change: p.Ile97del; deletes isoleucine 97.
Molecular consequence: inframe deletion.
Genome position (GRCh38, 1-based): chr19:4,117,429-4,117,431, ATG deleted on the plus strand (CAT on the coding strand, the reverse complement: MAP2K2 is on the minus strand); deleting any 3 consecutive bases within chr19:4,117,429-4,117,435 gives the same sequence; the position shown is the placement nearest the transcript's 3' end. VCF-style (leftmost placement, unchanged base first): chr19-4117428-CATG-C. GRCh37 (hg19) VCF-style: chr19-4117426-CATG-C.
Other names: c.291_293del (NM_030662.4); c.291_293delCAT (NM_030662.3); short protein forms I97del.
Identifiers: ClinVar variation 543989 (VCV000543989.10), dbSNP rs1555698652, ClinGen allele CA658799106.